The following is an entry in ClinVar:

ClinVar aggregate classification (germline): Pathogenic (1 of 4 stars; one submission).

Conditions:
Autosomal dominant hypocalcemia 1 (HYPOC1). Also called: HYPOCALCEMIA, FAMILIAL. Identifiers: MedGen C3715128, MONDO:0011013, OMIM 601198.
Familial hypocalciuric hypercalcemia (FHH). Also called: Familial benign hypercalcemia. Identifiers: Orphanet 405, MedGen C1809471, MONDO:0018458.

Submission:

Labcorp Genetics (formerly Invitae), Labcorp
Classification: Pathogenic for Familial hypocalciuric hypercalcemia; Autosomal dominant hypocalcemia 1. Last evaluated: 2023-02-01. Review status: criteria provided, single submitter. Criteria: Invitae Variant Classification Sherloc (09022015). Collection method: clinical testing. Allele origin: germline.
Comment: This sequence change creates a premature translational stop signal (p.Tyr63*) in the CASR gene. It is expected to result in an absent or disrupted protein product. Loss-of-function variants in CASR are known to be pathogenic (PMID: 11807402, 14985373, 22422767). This variant is not present in population databases (gnomAD no frequency). This variant has not been reported in the literature in individuals affected with CASR-related conditions. For these reasons, this variant has been classified as Pathogenic.

Literature cited by the submitters: PubMed 11807402; PubMed 14985373; PubMed 22422767.

NM_000388.4(CASR):c.189T>A (p.Tyr63Ter)

Gene: CASR (calcium sensing receptor; plus strand). Cytogenetic location: 3q21.1.
Variant type: single nucleotide variant.
Coding change: c.189T>A on transcript NM_000388.4 (MANE Select); coding-DNA position 189, T replaced by A.
Protein change: p.Tyr63Ter; replaces tyrosine 63 with a stop codon.
Molecular consequence: nonsense.
Genome position (GRCh38, 1-based): chr3:122,257,084, T>A. VCF-style: chr3-122257084-T-A. GRCh37 (hg19) VCF-style: chr3-121975931-T-A.
Other names: c.189T>A, p.Tyr63Ter (NM_001178065.2); short protein forms Y63*.
Identifiers: ClinVar variation 2943842 (VCV002943842.3), dbSNP rs2473213918, ClinGen allele CA354362342.
Genomic context (GRCh38, chr3:122,257,084, plus strand): 5'-CTCTAAAGTCGTTGACTAGAAAGCTTCCCATTTTCTTCCACTTCTTCTTTCTTCCAGGTA[T>A]AATTTCCGTGGGTTTCGCTGGTTACAGGCTATGATATTTGCCATAGAGGAGATAAACAGC-3'